The following is an entry in ClinVar:

ClinVar aggregate classification (germline): Uncertain significance (1 of 4 stars; one submission).

Conditions:
Long QT syndrome 1 (LQT1). Identifiers: Orphanet 101016, Orphanet 768, MedGen C4551647, MONDO:0100316, OMIM 192500, MONDO:0008646.

Submission:

Labcorp Genetics (formerly Invitae), Labcorp
Classification: Uncertain significance for Long QT syndrome 1. Last evaluated: 2025-09-19. Review status: criteria provided, single submitter. Criteria: Invitae Variant Classification Sherloc (09022015). Collection method: clinical testing. Allele origin: germline.
Comment: This sequence change replaces glutamic acid, which is acidic and polar, with lysine, which is basic and polar, at codon 124 of the CALM3 protein (p.Glu124Lys). This variant is not present in population databases (gnomAD no frequency). This variant has not been reported in the literature in individuals affected with CALM3-related conditions. ClinVar contains an entry for this variant (Variation ID: 1981654). An algorithm developed to predict the effect of missense changes on protein structure and function (PolyPhen-2) suggests that this variant is likely to be disruptive. In summary, the available evidence is currently insufficient to determine the role of this variant in disease. Therefore, it has been classified as a Variant of Uncertain Significance.

NM_005184.4(CALM3):c.370G>A (p.Glu124Lys)

Gene: CALM3 (calmodulin 3; plus strand). Cytogenetic location: 19q13.32.
Variant type: single nucleotide variant.
Coding change: c.370G>A on transcript NM_005184.4 (MANE Select); coding-DNA position 370, G replaced by A.
Protein change: p.Glu124Lys; replaces glutamic acid 124 with lysine.
Molecular consequence: missense variant.
Genome position (GRCh38, 1-based): chr19:46,608,930, G>A. VCF-style: chr19-46608930-G-A. GRCh37 (hg19) VCF-style: chr19-47112187-G-A.
Other names: c.262G>A, p.Glu88Lys (NM_001329921.1, NM_001329923.1, NM_001329924.2 and 2 more transcripts); c.370G>A, p.Glu124Lys (NM_001329922.1); short protein forms E124K, E88K.
Identifiers: ClinVar variation 1981654 (VCV001981654.4), dbSNP rs2513645822, ClinGen allele CA406473384.